The following is an entry in ClinVar:

NM_005148.4(UNC119):c.325C>G (p.Pro109Ala)

Gene: UNC119 (unc-119 lipid binding chaperone; minus strand). Cytogenetic location: 17q11.2.
Variant type: single nucleotide variant.
Coding change: c.325C>G on transcript NM_005148.4 (MANE Select); coding-DNA position 325, C replaced by G.
Protein change: p.Pro109Ala; replaces proline 109 with alanine.
Molecular consequence: missense variant.
Genome position (GRCh38, 1-based): chr17:28,548,601, G>C on the plus strand (C>G on the coding strand, the complement: UNC119 is on the minus strand). VCF-style: chr17-28548601-G-C. GRCh37 (hg19) VCF-style: chr17-26875619-G-C.
Other names: c.40C>G, p.Pro14Ala (NM_001330166.2); c.325C>G, p.Pro109Ala (NM_054035.2); short protein forms P109A, P14A.
Identifiers: ClinVar variation 4704785 (VCV004704785.1).

ClinVar aggregate classification (germline): Uncertain significance (1 of 4 stars; one submission).

Submission:

Labcorp Genetics (formerly Invitae), Labcorp
Classification: Uncertain significance. Last evaluated: 2025-08-02. Review status: criteria provided, single submitter. Criteria: Invitae Variant Classification Sherloc (09022015). Collection method: clinical testing. Allele origin: germline.
Comment: This sequence change replaces proline, which is neutral and non-polar, with alanine, which is neutral and non-polar, at codon 109 of the UNC119 protein (p.Pro109Ala). This variant is present in population databases (rs576152675, gnomAD 0.003%). This variant has not been reported in the literature in individuals affected with UNC119-related conditions. An algorithm developed to predict the effect of missense changes on protein structure and function (PolyPhen-2) suggests that this variant is likely to be tolerated. In summary, the available evidence is currently insufficient to determine the role of this variant in disease. Therefore, it has been classified as a Variant of Uncertain Significance.